The following is an entry in ClinVar:

NM_001330260.2(SCN8A):c.4394A>G (p.Asp1465Gly)

Gene: SCN8A (sodium voltage-gated channel alpha subunit 8; plus strand). Cytogenetic location: 12q13.13.
Variant type: single nucleotide variant.
Coding change: c.4394A>G on transcript NM_001330260.2 (MANE Select); coding-DNA position 4394, A replaced by G.
Protein change: p.Asp1465Gly; replaces aspartic acid 1465 with glycine.
Molecular consequence: missense variant.
Genome position (GRCh38, 1-based): chr12:51,789,393, A>G. VCF-style: chr12-51789393-A-G. GRCh37 (hg19) VCF-style: chr12-52183177-A-G.
Other names: c.4271A>G, p.Asp1424Gly (NM_001177984.3, NM_001369788.1); c.4394A>G, p.Asp1465Gly (NM_014191.4); short protein forms D1424G, D1465G.
Identifiers: ClinVar variation 3067598 (VCV003067598.21), dbSNP rs1135401806, ClinGen allele CA384908562.

ClinVar aggregate classification (germline): Likely pathogenic (1 of 4 stars; one submission).

Submission:

CeGaT Center for Human Genetics Tuebingen
Classification: Likely pathogenic. Last evaluated: 2024-02-01. Review status: criteria provided, single submitter. Criteria: CeGaT Center For Human Genetics Tuebingen Variant Classification Criteria Version 2. Collection method: clinical testing. Allele origin: germline. Affected: yes. Observed: 1 variant allele.
Comment: SCN8A: PM1, PM2, PM5, PP2, PP3